The following is an entry in ClinVar:

NM_004304.5(ALK):c.3463G>C (p.Val1155Leu)

Gene: ALK (ALK receptor tyrosine kinase; minus strand). Cytogenetic location: 2p23.2.
Variant type: single nucleotide variant.
Coding change: c.3463G>C on transcript NM_004304.5 (MANE Select); coding-DNA position 3463, G replaced by C.
Protein change: p.Val1155Leu; replaces valine 1155 with leucine.
Molecular consequence: missense variant.
Genome position (GRCh38, 1-based): chr2:29,222,396, C>G on the plus strand (G>C on the coding strand, the complement: ALK is on the minus strand). VCF-style: chr2-29222396-C-G. GRCh37 (hg19) VCF-style: chr2-29445262-C-G.
Other names: c.259G>C, p.Val87Leu (NM_001353765.2); short protein forms V87L, V1155L.
Identifiers: ClinVar variation 4732215 (VCV004732215.1).

ClinVar aggregate classification (germline): Uncertain significance (1 of 4 stars; one submission).

Conditions:
Neuroblastoma, susceptibility to, 3. Also called: ALK-Related Neuroblastic Tumor Susceptibility. Identifiers: Orphanet 635, MedGen C2751681, MONDO:0013083, OMIM 613014.

Submission:

Labcorp Genetics (formerly Invitae), Labcorp
Classification: Uncertain significance for Neuroblastoma, susceptibility to, 3. Last evaluated: 2025-11-28. Review status: criteria provided, single submitter. Criteria: Invitae Variant Classification Sherloc (09022015). Collection method: clinical testing. Allele origin: germline.
Comment: This sequence change replaces valine, which is neutral and non-polar, with leucine, which is neutral and non-polar, at codon 1155 of the ALK protein (p.Val1155Leu). This variant is not present in population databases (gnomAD no frequency). This variant has not been reported in the literature in individuals affected with ALK-related conditions. An algorithm developed to predict the effect of missense changes on protein structure and function (PolyPhen-2) suggests that this variant is likely to be tolerated. In summary, the available evidence is currently insufficient to determine the role of this variant in disease. Therefore, it has been classified as a Variant of Uncertain Significance.